The following is an entry in ClinVar:

NM_000051.4(ATM):c.7183G>T (p.Asp2395Tyr)

Genes: ATM (ATM serine/threonine kinase; plus strand), C11orf65 (chromosome 11 open reading frame 65; minus strand). Cytogenetic location: 11q22.3.
Variant type: single nucleotide variant.
Coding change: c.7183G>T on transcript NM_000051.4 (MANE Select); coding-DNA position 7183, G replaced by T.
Protein change: p.Asp2395Tyr; replaces aspartic acid 2395 with tyrosine.
Molecular consequence: missense variant. On other transcripts: intron variant (2).
Genome position (GRCh38, 1-based): chr11:108,329,114, G>T. VCF-style: chr11-108329114-G-T. GRCh37 (hg19) VCF-style: chr11-108199841-G-T.
Other names: c.7183G>T, p.Asp2395Tyr (NM_001351834.2); c.641-20043C>A (NM_001330368.2); c.*38+6106C>A (NM_001351110.2); short protein forms D2395Y.
Identifiers: ClinVar variation 3222744 (VCV003222744.1), dbSNP rs2085983049, ClinGen allele CA382559576.
Genomic context (GRCh38, chr11:108,329,114, plus strand): 5'-AGTAGTGATGAGCTAAGAAATGGAAAAATGAAGGCATTTCTCTCATTAGCCCGGTTTTCA[G>T]ATACTCAATACCAAAGAATTGAAAACTACATGAAATCATCGGAATTTGAAAACAAGCAAG-3'
Protein context (NP_000042.3, residues 2385-2405): KAFLSLARFS[Asp2395Tyr]TQYQRIENYM

ClinVar aggregate classification (germline): Uncertain significance (1 of 4 stars; one submission).

Conditions:
Hereditary cancer-predisposing syndrome. Also called: Tumor predisposition; Hereditary Cancer Syndrome; Hereditary neoplastic syndrome; Neoplastic Syndromes, Hereditary. Identifiers: Orphanet 140162, MedGen C0027672, MeSH D009386, MONDO:0015356.

Submission:

Ambry Genetics
Classification: Uncertain significance for Hereditary cancer-predisposing syndrome. Last evaluated: 2023-12-08. Review status: criteria provided, single submitter. Criteria: Ambry Variant Classification Scheme 2023. Collection method: clinical testing. Allele origin: germline.
Comment: The p.D2395Y variant (also known as c.7183G>T), located in coding exon 48 of the ATM gene, results from a G to T substitution at nucleotide position 7183. The aspartic acid at codon 2395 is replaced by tyrosine, an amino acid with highly dissimilar properties. This alteration has been reported with a carrier frequency of 0.00013 in 7636 unselected prostate cancer patients and 0.0 in 12366 male controls of Japanese ancestry (Momozawa Y et al. J Natl Cancer Inst, 2020 Apr;112:369-376). This amino acid position is highly conserved in available vertebrate species. In addition, this alteration is predicted to be deleterious by in silico analysis. Since supporting evidence is limited at this time, the clinical significance of this alteration remains unclear.

Literature cited by the submitters: PubMed 31214711.